The following is an entry in ClinVar:

ClinVar aggregate classification (germline): Uncertain significance (1 of 4 stars; one submission).

Submission:

GeneDx
Classification: Uncertain significance. Last evaluated: 2023-12-01. Review status: criteria provided, single submitter. Criteria: GeneDx Variant Classification Process June 2021. Collection method: clinical testing. Allele origin: germline. Affected: yes.
Comment: Not observed at significant frequency in large population cohorts (gnomAD); In silico analysis supports that this missense variant has a deleterious effect on protein structure/function; Has not been previously published as pathogenic or benign to our knowledge

NM_000601.6(HGF):c.792T>A (p.Asp264Glu)

Gene: HGF (hepatocyte growth factor; minus strand). Cytogenetic location: 7q21.11.
Variant type: single nucleotide variant.
Coding change: c.792T>A on transcript NM_000601.6 (MANE Select); coding-DNA position 792, T replaced by A.
Protein change: p.Asp264Glu; replaces aspartic acid 264 with glutamic acid.
Molecular consequence: missense variant.
Genome position (GRCh38, 1-based): chr7:81,743,426, A>T on the plus strand (T>A on the coding strand, the complement: HGF is on the minus strand). VCF-style: chr7-81743426-A-T. GRCh37 (hg19) VCF-style: chr7-81372742-A-T.
Other names: c.792T>A, p.Asp264Glu (NM_001010931.3); c.777T>A, p.Asp259Glu (NM_001010932.3, NM_001010933.3); short protein forms D259E, D264E.
Identifiers: ClinVar variation 3364819 (VCV003364819.1).